The following is an entry in ClinVar:

NM_000059.4(BRCA2):c.5061del (p.Glu1688fs)

Gene: BRCA2 (BRCA2 DNA repair associated; plus strand). Cytogenetic location: 13q13.1.
Variant type: Deletion.
Coding change: c.5061del on transcript NM_000059.4 (MANE Select); coding-DNA position 5061, one base deleted (T; older notation c.5061delT).
Protein change: p.Glu1688fs; shifts the reading frame from glutamic acid 1688.
Molecular consequence: frameshift variant.
Genome position (GRCh38, 1-based): chr13:32,339,416, T deleted; the last of 2 consecutive T bases (chr13:32,339,415-32,339,416); deleting either gives the same sequence. VCF-style (leftmost placement, unchanged base first): chr13-32339414-CT-C. GRCh37 (hg19) VCF-style: chr13-32913551-CT-C.
Other names: short protein forms E1688fs.
Identifiers: ClinVar variation 1074084 (VCV001074084.8), dbSNP rs2137513583, ClinGen allele CA2499222186.
Genomic context (GRCh38, chr13:32,339,414, plus strand): 5'-TCAGCCTTAGCTTTTTACACAAGTTGTAGTAGAAAAACTTCTGTGAGTCAGACTTCATTA[CT>C]TGAAGCAAAAAAATGGCTTAGAGAAGGAATATTTGATGGTCAACCAGAAAGAATAAATAC-3'

ClinVar aggregate classification (germline): Pathogenic/Likely pathogenic. Review status: criteria provided, multiple submitters, no conflicts (2 of 4 stars). 2 submissions from 2 submitters: Pathogenic (1); Likely pathogenic (1). Last evaluated 2026-01-11.

Conditions:
Hereditary breast ovarian cancer syndrome. Also called: Hereditary breast and ovarian cancer syndrome (HBOC); Hereditary breast and/or ovarian cancer syndrome; Hereditary breast and ovarian cancer; BRCA1- and BRCA2-Associated Hereditary Breast and Ovarian Cancer; Hereditary breast and ovarian cancer syndrome; Breast and ovarian cancer. Identifiers: Orphanet 145, MedGen C0677776, MeSH D061325, MONDO:0003582. Disease mechanism: loss of function.
Familial cancer of breast. Also called: Hereditary breast cancer; hereditary breast carcinoma; BREAST CANCER, FAMILIAL. Identifiers: Orphanet 227535, MedGen C0346153, MONDO:0016419, OMIM 114480. Disease mechanism: loss of function.

Submissions (2):

Labcorp Genetics (formerly Invitae), Labcorp
Classification: Pathogenic for Hereditary breast ovarian cancer syndrome. Last evaluated: 2026-01-11. Review status: criteria provided, single submitter. Criteria: Invitae Variant Classification Sherloc (09022015). Collection method: clinical testing. Allele origin: germline.
Comment: This sequence change creates a premature translational stop signal (p.Glu1688Lysfs*18) in the BRCA2 gene. It is expected to result in an absent or disrupted protein product. Loss-of-function variants in BRCA2 are known to be pathogenic (PMID: 20104584). This variant is not present in population databases (gnomAD no frequency). This variant has not been reported in the literature in individuals affected with BRCA2-related conditions. ClinVar contains an entry for this variant (Variation ID: 1074084). For these reasons, this variant has been classified as Pathogenic.

Baylor Genetics
Classification: Likely pathogenic for Familial cancer of breast. Last evaluated: 2022-06-18. Review status: criteria provided, single submitter. Criteria: ACMG Guidelines, 2015. Collection method: clinical testing. Allele origin: unknown.

Literature cited by the submitters: PubMed 20104584 (cited by Labcorp Genetics (formerly Invitae), Labcorp).